The following is an entry in ClinVar:

NM_022437.3(ABCG8):c.1773C>T (p.Ser591=)

Gene: ABCG8 (ATP binding cassette subfamily G member 8; plus strand). Cytogenetic location: 2p21.
Variant type: single nucleotide variant.
Coding change: c.1773C>T on transcript NM_022437.3 (MANE Select); coding-DNA position 1773, C replaced by T.
Protein change: p.Ser591=; no amino-acid change (serine 591 retained).
Molecular consequence: synonymous variant.
Genome position (GRCh38, 1-based): chr2:43,877,577, C>T. VCF-style: chr2-43877577-C-T. GRCh37 (hg19) VCF-style: chr2-44104716-C-T.
Other names: c.1770C>T, p.Ser590= (NM_001357321.2).
Identifiers: ClinVar variation 3345819 (VCV003345819.1).
Genomic context (GRCh38, chr2:43,877,577, plus strand): 5'-GAATATGAGGGACACCTGTGAGTAACGCGGCTGTCTGTCTCCAGTGCCCGCGTGGATTTC[C>T]AAAGTGTCCTTCCTGCGGTGGTGTTTTGAAGGGCTGATGAAGATTCAGTTCAGCAGAAGA-3'
Protein context (NP_071882.1, residues 581-601): SSLWTVPAWI[Ser591=]KVSFLRWCFE

ClinVar aggregate classification (germline): Uncertain significance (0 of 4 stars; one submission).

Conditions:
ABCG8-related disorder. Also called: ABCG8-related condition.

Submission:

PreventionGenetics, part of Exact Sciences
Classification: Uncertain significance for ABCG8-related condition. Last evaluated: 2024-08-18. Review status: no assertion criteria provided. Collection method: clinical testing. Allele origin: germline.
Comment: The ABCG8 c.1773C>T variant is not predicted to result in an amino acid change (p.=). This variant is predicted to activate a cryptic splice acceptor and may result in aberrant splicing (SpliceAI, Jaganathan K, et al. 2019. PubMed ID: 30661751). To our knowledge, this variant has not been reported in the literature or in a large population database, indicating it is rare. At this time, the clinical significance of this variant is uncertain due to the absence of conclusive functional and genetic evidence.